The following is an entry in ClinVar:

ClinVar aggregate classification (germline): Conflicting classifications of pathogenicity. Review status: criteria provided, conflicting classifications (1 of 4 stars). 2 submissions from 2 submitters: Uncertain significance (1); Benign (1). Last evaluated 2024-12-23.

Conditions:
Inborn genetic diseases. Identifiers: MedGen C0950123, MeSH D030342.
White sponge nevus 1. Also called: LEUKOKERATOSIS, HEREDITARY MUCOSAL. Identifiers: MedGen C4011926, MONDO:0008676, OMIM 193900.

Allele frequency attached by ClinVar (database versions not stated): gnomAD exomes 0.00002; TOPMed 0.00002; gnomAD 0.00003; ExAC 0.00005.
gnomAD v4.1: 310 of 1,614,062 alleles (0.019%); highest among the groups gnomAD compares: Non-Finnish European, 0.026%; no homozygotes.

Submissions (2):

Ambry Genetics
Classification: Uncertain significance for Inborn genetic diseases. Last evaluated: 2024-12-23. Review status: criteria provided, single submitter. Criteria: Ambry Variant Classification Scheme 2023. Collection method: clinical testing. Allele origin: germline.

Illumina Laboratory Services, Illumina
Classification: Benign for White sponge nevus 1. Last evaluated: 2018-03-14. Review status: criteria provided, single submitter. Criteria: ICSL Variant Classification Criteria 13 December 2019. Collection method: clinical testing. Allele origin: germline.
Comment: This variant was observed in the ICSL laboratory as part of a predisposition screen in an ostensibly healthy population. It had not been previously curated by ICSL or reported in the Human Gene Mutation Database (HGMD: prior to June 1st, 2018), and was therefore a candidate for classification through an automated scoring system. Utilizing variant allele frequency, disease prevalence and penetrance estimates, and inheritance mode, an automated score was calculated to assess if this variant is too frequent to cause the disease. Based on the score and internal cut-off values, a variant classified as benign is not then subjected to further curation. The score for this variant resulted in a classification of benign for this disease.

NM_002272.4(KRT4):c.983C>T (p.Ala328Val)

Gene: KRT4 (keratin 4; minus strand). Cytogenetic location: 12q13.13.
Variant type: single nucleotide variant.
Coding change: c.983C>T on transcript NM_002272.4 (MANE Select); coding-DNA position 983, C replaced by T.
Protein change: p.Ala328Val; replaces alanine 328 with valine.
Molecular consequence: missense variant.
Genome position (GRCh38, 1-based): chr12:52,808,702, G>A on the plus strand (C>T on the coding strand, the complement: KRT4 is on the minus strand). VCF-style: chr12-52808702-G-A. GRCh37 (hg19) VCF-style: chr12-53202486-G-A.
Other names: short protein forms A328V.
Identifiers: ClinVar variation 881186 (VCV000881186.5), dbSNP rs749943854, ClinGen allele CA6588543.
Genomic context (GRCh38, chr12:52,808,702, plus strand): 5'-GCCCCAGAGCCAGCCCCATCTCCTGAGAGATCCATACCACCCACCTTGGTCTGGTACAGG[G>A]CTTCAGCCTCAGCCTTGCTCCTCTGGGCAATCTCCTCGTACTGGGCACGGACCTCGGCAA-3'
Protein context (NP_002263.3, residues 318-338): IAQRSKAEAE[Ala328Val]LYQTKVQQLQ